The following is an entry in ClinVar:

NM_014727.3(KMT2B):c.2242C>T (p.Leu748Phe)

Gene: KMT2B (lysine methyltransferase 2B; plus strand). Cytogenetic location: 19q13.12.
Variant type: single nucleotide variant.
Coding change: c.2242C>T on transcript NM_014727.3 (MANE Select); coding-DNA position 2242, C replaced by T.
Protein change: p.Leu748Phe; replaces leucine 748 with phenylalanine.
Molecular consequence: missense variant.
Genome position (GRCh38, 1-based): chr19:35,721,589, C>T. VCF-style: chr19-35721589-C-T. GRCh37 (hg19) VCF-style: chr19-36212491-C-T.
Other names: short protein forms L748F.
Identifiers: ClinVar variation 3683532 (VCV003683532.2).

ClinVar aggregate classification (germline): Uncertain significance (1 of 4 stars; one submission).

Submission:

Labcorp Genetics (formerly Invitae), Labcorp
Classification: Uncertain significance. Last evaluated: 2024-10-29. Review status: criteria provided, single submitter. Criteria: Invitae Variant Classification Sherloc (09022015). Collection method: clinical testing. Allele origin: germline.
Comment: This sequence change replaces leucine, which is neutral and non-polar, with phenylalanine, which is neutral and non-polar, at codon 748 of the KMT2B protein (p.Leu748Phe). This variant is present in population databases (rs749218565, gnomAD 0.0009%). This variant has not been reported in the literature in individuals affected with KMT2B-related conditions. Invitae Evidence Modeling of protein sequence and biophysical properties (such as structural, functional, and spatial information, amino acid conservation, physicochemical variation, residue mobility, and thermodynamic stability) indicates that this missense variant is not expected to disrupt KMT2B protein function with a negative predictive value of 80%. In summary, the available evidence is currently insufficient to determine the role of this variant in disease. Therefore, it has been classified as a Variant of Uncertain Significance.